The following is an entry in ClinVar:

NM_001378452.1(ITPR1):c.6947A>T (p.His2316Leu)

Gene: ITPR1 (inositol 1,4,5-trisphosphate receptor type 1; plus strand). Cytogenetic location: 3p26.1.
Variant type: single nucleotide variant.
Coding change: c.6947A>T on transcript NM_001378452.1 (MANE Select); coding-DNA position 6947, A replaced by T.
Protein change: p.His2316Leu; replaces histidine 2316 with leucine.
Molecular consequence: missense variant.
Genome position (GRCh38, 1-based): chr3:4,800,440, A>T. VCF-style: chr3-4800440-A-T. GRCh37 (hg19) VCF-style: chr3-4842124-A-T.
Other names: c.6803A>T, p.His2268Leu (NM_001099952.4); c.6902A>T, p.His2301Leu (NM_001168272.2); c.6758A>T, p.His2253Leu (NM_002222.7); short protein forms H2253L, H2268L, H2301L, H2316L.
Identifiers: ClinVar variation 2663184 (VCV002663184.1), dbSNP rs2470133568, ClinGen allele CA351643540.

ClinVar aggregate classification (germline): Uncertain significance (1 of 4 stars; one submission).

Allele frequency attached by ClinVar (database versions not stated): gnomAD exomes below 0.00001.
gnomAD v4.1: 1 of 1,613,674 alleles (0.000062%); highest among the groups gnomAD compares: Non-Finnish European, 0.000085%; no homozygotes.

Submission:

GeneDx
Classification: Uncertain significance. Last evaluated: 2023-05-10. Review status: criteria provided, single submitter. Criteria: GeneDx Variant Classification Process June 2021. Collection method: clinical testing. Allele origin: germline. Affected: yes.
Comment: Not observed at significant frequency in large population cohorts (gnomAD); In silico analysis supports that this missense variant has a deleterious effect on protein structure/function; Has not been previously published as pathogenic or benign to our knowledge